The following is an entry in ClinVar:

NM_001369.3(DNAH5):c.2577+5T>C

Genes: DNAH5 (dynein axonemal heavy chain 5; minus strand), DNAH5-AS1 (DNAH5 antisense RNA 1; plus strand). Cytogenetic location: 5p15.2.
Variant type: single nucleotide variant.
Coding change: c.2577+5T>C on transcript NM_001369.3 (MANE Select); 5 bases into the intron after coding-DNA position 2577, T replaced by C.
Molecular consequence: intron variant.
Genome position (GRCh38, 1-based): chr5:13,890,971, A>G on the plus strand (T>C on the coding strand, the complement: DNAH5 is on the minus strand). VCF-style: chr5-13890971-A-G. GRCh37 (hg19) VCF-style: chr5-13891080-A-G.
Identifiers: ClinVar variation 258012 (VCV000258012.6), dbSNP rs201596289, ClinGen allele CA3204553.

ClinVar aggregate classification (germline): Conflicting classifications of pathogenicity. Review status: criteria provided, conflicting classifications (1 of 4 stars). 3 submissions from 3 submitters: Uncertain significance (2); Likely benign (1). Last evaluated 2020-11-13.

Conditions:
Primary ciliary dyskinesia. Also called: Ciliary dyskinesia. Identifiers: Orphanet 244, MedGen C0008780, MONDO:0016575, HP:0012265.

Allele frequency attached by ClinVar (database versions not stated): gnomAD 0.00006; TOPMed 0.00006; ESP Exome Variant Server 0.00015.
gnomAD v4.1: 24 of 1,613,962 alleles (0.0015%); highest among the groups gnomAD compares: African/African-American, 0.025%; no homozygotes.

Submissions (3):

Labcorp Genetics (formerly Invitae), Labcorp
Classification: Uncertain significance for Primary ciliary dyskinesia. Last evaluated: 2020-11-13. Review status: criteria provided, single submitter. Criteria: Invitae Variant Classification Sherloc (09022015). Collection method: clinical testing. Allele origin: germline.
Comment: This sequence change falls in intron 17 of the DNAH5 gene. It does not directly change the encoded amino acid sequence of the DNAH5 protein. It affects a nucleotide within the consensus splice site of the intron. This variant is present in population databases (rs201596289, ExAC 0.04%). This variant has not been reported in the literature in individuals with DNAH5-related conditions. ClinVar contains an entry for this variant (Variation ID: 258012). Nucleotide substitutions within the consensus splice site are a relatively common cause of aberrant splicing (PMID: 17576681, 9536098). Algorithms developed to predict the effect of sequence changes on RNA splicing suggest that this variant may disrupt the consensus splice site, but this prediction has not been confirmed by published transcriptional studies. In summary, the available evidence is currently insufficient to determine the role of this variant in disease. Therefore, it has been classified as a Variant of Uncertain Significance.

Ambry Genetics
Classification: Uncertain significance for Primary ciliary dyskinesia. Last evaluated: 2018-10-02. Review status: criteria provided, single submitter. Criteria: Ambry Variant Classification Scheme 2023. Collection method: clinical testing. Allele origin: germline.
Comment: The c.2577+5T>C intronic variant results from a T to C substitution 5 nucleotides after coding exon 17 in the DNAH5 gene. This nucleotide position is not well conserved in available vertebrate species. Using the BDGP and ESEfinder splice site prediction tools, this alteration is not predicted to have any significant effect on this splice acceptor/donor site; however, direct evidence is unavailable. Since supporting evidence is limited at this time, the clinical significance of this alteration remains unclear.

PreventionGenetics, part of Exact Sciences
Classification: Likely benign. Review status: criteria provided, single submitter. Criteria: ACMG Guidelines, 2015. Collection method: clinical testing. Allele origin: germline.

Literature cited by the submitters: PubMed 17576681 (cited by Labcorp Genetics (formerly Invitae), Labcorp); PubMed 9536098 (cited by Labcorp Genetics (formerly Invitae), Labcorp).